The following is an entry in ClinVar:

ClinVar aggregate classification (germline): Pathogenic (1 of 4 stars; one submission).

Conditions:
Autosomal recessive nonsyndromic hearing loss 3. Also called: NEUROSENSORY NONSYNDROMIC RECESSIVE DEAFNESS 3. Identifiers: Orphanet 90636, MedGen C1838263, MONDO:0010860, OMIM 600316.

Submission:

Institute of Rare Diseases, West China Hospital, Sichuan University
Classification: Pathogenic for Autosomal recessive nonsyndromic hearing loss 3. Last evaluated: 2025-01-09. Review status: criteria provided, single submitter. Criteria: ClinGen HL ACMG Specifications v1. Collection method: research. Allele origin: germline. Affected: yes.
Comment: PVS1;PM3;PM2_Supporting

NM_016239.4(MYO15A):c.10351-2A>G

Gene: MYO15A (myosin XVA; plus strand). Cytogenetic location: 17p11.2.
Variant type: single nucleotide variant.
Coding change: c.10351-2A>G on transcript NM_016239.4 (MANE Select); the canonical splice acceptor site of the intron before coding-DNA position 10351, A replaced by G.
Molecular consequence: splice acceptor variant.
Genome position (GRCh38, 1-based): chr17:18,173,779, A>G. VCF-style: chr17-18173779-A-G. GRCh37 (hg19) VCF-style: chr17-18077093-A-G.
Identifiers: ClinVar variation 3601302 (VCV003601302.1).